The following is an entry in ClinVar:

ClinVar aggregate classification (germline): Likely pathogenic (1 of 4 stars; one submission).

Conditions:
Pulmonary fibrosis and/or bone marrow failure, telomere-related, 5. Identifiers: MedGen C5231457, MONDO:0032865, OMIM 618674.

Submission:

Centre for Medical Genetics,  Mumbai
Classification: Likely pathogenic for Pulmonary fibrosis and/or bone marrow failure, telomere-related, 5. Last evaluated: 2026-04-02. Review status: criteria provided, single submitter. Criteria: ACMG Guidelines, 2015. Collection method: provider interpretation. Allele origin: germline. Inheritance: Autosomal dominant inheritance. Affected: yes. Observed: 1 variant allele, 1 heterozygote.
Comment: The variant satisfies PM2 criteria; Extremely low frequency in gnomAD population databases. Allele frequency is extremely low in all databases. Hence, should be considered as a likely pathogenic variant.

Literature cited by the submitters: PubMed 31488579.

NM_017612.5(ZCCHC8):c.1790C>T (p.Ser597Phe)

Gene: ZCCHC8 (zinc finger CCHC-type containing 8; minus strand). Cytogenetic location: 12q24.31.
Variant type: single nucleotide variant.
Coding change: c.1790C>T on transcript NM_017612.5 (MANE Select); coding-DNA position 1790, C replaced by T.
Protein change: p.Ser597Phe; replaces serine 597 with phenylalanine.
Molecular consequence: missense variant.
Genome position (GRCh38, 1-based): chr12:122,473,831, G>A on the plus strand (C>T on the coding strand, the complement: ZCCHC8 is on the minus strand). VCF-style: chr12-122473831-G-A. GRCh37 (hg19) VCF-style: chr12-122958378-G-A.
Other names: c.1559C>T, p.Ser520Phe (NM_001350935.2); c.1493C>T, p.Ser498Phe (NM_001350936.2); c.1076C>T, p.Ser359Phe (NM_001350937.2, NM_001350938.2); short protein forms S359F, S498F, S520F, S597F.
Identifiers: ClinVar variation 4850541 (VCV004850541.1).